The following is an entry in ClinVar:

NM_001048174.2(MUTYH):c.1435-13_1464del

Gene: MUTYH (mutY DNA glycosylase; minus strand). Cytogenetic location: 1p34.1.
Variant type: Deletion.
Coding change: c.1435-13_1464del on transcript NM_001048174.2 (MANE Select); 13 bases into the intron before coding-DNA position 1435 through coding-DNA position 1464, 43 bases deleted.
Molecular consequence: splice acceptor variant.
Genome position (GRCh38, 1-based): chr1:45,329,408-45,329,450, 43 bases deleted. GRCh37 (hg19): chr1:45,795,080-45,795,122.
Other names: c.1480-13_1509del (NM_001293190.2); c.1468-13_1497del (NM_001407069.1, NM_001407077.1, NM_001293191.2); c.1510-13_1539del (NM_012222.3); c.1519-13_1548del (NM_001128425.2); c.1435-13_1464del (NM_001407070.1, NM_001048173.2, NM_001407081.1 and 6 more transcripts); c.1438-13_1467del (NM_001407071.1, NM_001048172.2, NM_001407078.1 and 1 more transcripts); c.1090-13_1119del (NM_001407082.1, NM_001350651.2, NM_001350650.2); c.1159-13_1188del (NM_001293196.2, NM_001407091.1, NM_001293192.2); and 5 more.
Identifiers: ClinVar variation 3644534 (VCV003644534.2).

ClinVar aggregate classification (germline): Uncertain significance (1 of 4 stars; one submission).

Conditions:
Familial adenomatous polyposis 2. Also called: FAP type 2; COLORECTAL ADENOMATOUS POLYPOSIS, AUTOSOMAL RECESSIVE; ADENOMAS, MULTIPLE COLORECTAL, AUTOSOMAL RECESSIVE; MYH-associated polyposis; Adenomas, multiple colorectal; MUTYH-associated polyposis. Identifiers: Orphanet 220460, Orphanet 247798, MedGen C3272841, MONDO:0012041, OMIM 608456.

Submission:

Labcorp Genetics (formerly Invitae), Labcorp
Classification: Uncertain significance for Familial adenomatous polyposis 2. Last evaluated: 2024-03-05. Review status: criteria provided, single submitter. Criteria: Invitae Variant Classification Sherloc (09022015). Collection method: clinical testing. Allele origin: germline.
Comment: This variant results in the deletion of part of exon 16 (c.1519-13_1548del) of the MUTYH gene. While this variant is not anticipated to result in nonsense mediated decay, it likely alters RNA splicing and results in a disrupted protein product. This variant is not present in population databases (gnomAD no frequency). This variant has not been reported in the literature in individuals affected with MUTYH-related conditions. Variants that disrupt the consensus splice site are a relatively common cause of aberrant splicing (PMID: 17576681, 9536098). In summary, the available evidence is currently insufficient to determine the role of this variant in disease. Therefore, it has been classified as a Variant of Uncertain Significance.

Literature cited by the submitters: PubMed 17576681; PubMed 9536098.